The following is an entry in ClinVar:

ClinVar aggregate classification (germline): Uncertain significance (1 of 4 stars; one submission).

Conditions:
Congenital primary aphakia. Also called: Anterior segment dysgenesis 2, multiple subtypes; ANTERIOR SEGMENT DYSGENESIS 2. Identifiers: Orphanet 83461, MedGen C1853230, MONDO:0012456, OMIM 610256.
Anterior segment dysgenesis. Also called: Ocular anterior segment dysgenesis. Identifiers: Orphanet 88632, MedGen C1862839, MONDO:0019503, HP:0007700.

Submission:

Labcorp Genetics (formerly Invitae), Labcorp
Classification: Uncertain significance for Anterior segment dysgenesis; Congenital primary aphakia. Last evaluated: 2024-11-07. Review status: criteria provided, single submitter. Criteria: Invitae Variant Classification Sherloc (09022015). Collection method: clinical testing. Allele origin: germline.
Comment: This sequence change affects codon 84 of the FOXE3 mRNA. It is a 'silent' change, meaning that it does not change the encoded amino acid sequence of the FOXE3 protein. This variant is not present in population databases (gnomAD no frequency). This variant has not been reported in the literature in individuals affected with FOXE3-related conditions. In summary, the available evidence is currently insufficient to determine the role of this variant in disease. Therefore, it has been classified as a Variant of Uncertain Significance.

NM_012186.3(FOXE3):c.252G>A (p.Leu84=)

Genes: FOXE3 (forkhead box E3; plus strand), LINC01389 (long independently transcribed non-coding RNA 1389; minus strand). Cytogenetic location: 1p33.
Variant type: single nucleotide variant.
Coding change: c.252G>A on transcript NM_012186.3 (MANE Select); coding-DNA position 252, G replaced by A.
Protein change: p.Leu84=; no amino-acid change (leucine 84 retained).
Molecular consequence: synonymous variant.
Genome position (GRCh38, 1-based): chr1:47,416,567, G>A. VCF-style: chr1-47416567-G-A. GRCh37 (hg19) VCF-style: chr1-47882239-G-A.
Identifiers: ClinVar variation 3747955 (VCV003747955.2).